The following is an entry in ClinVar:

ClinVar aggregate classification (germline): Uncertain significance (1 of 4 stars; one submission).

Conditions:
Brugada syndrome. Also called: Sudden Unexplained Death Syndrome; Sudden unexpected nocturnal death syndrome; Sudden Unexplained Nocturnal Death Syndrome (SUNDS); Sudden unexplained nocturnal death syndrome. Identifiers: Orphanet 130, MedGen C1142166, MONDO:0015263.

gnomAD v4.1: 1 of 1,598,126 alleles (0.000063%); highest among the groups gnomAD compares: East Asian, 0.0022%; no homozygotes.

Submission:

Labcorp Genetics (formerly Invitae), Labcorp
Classification: Uncertain significance for Brugada syndrome. Last evaluated: 2025-07-14. Review status: criteria provided, single submitter. Criteria: Invitae Variant Classification Sherloc (09022015). Collection method: clinical testing. Allele origin: germline.
Comment: This sequence change replaces cysteine, which is neutral and slightly polar, with glycine, which is neutral and non-polar, at codon 319 of the SCN10A protein (p.Cys319Gly). This variant is present in population databases (no rsID available, gnomAD 0.01%). This variant has not been reported in the literature in individuals affected with SCN10A-related conditions. Invitae Evidence Modeling of protein sequence and biophysical properties (such as structural, functional, and spatial information, amino acid conservation, physicochemical variation, residue mobility, and thermodynamic stability) indicates that this missense variant is expected to disrupt SCN10A protein function with a positive predictive value of 80%. In summary, the available evidence is currently insufficient to determine the role of this variant in disease. Therefore, it has been classified as a Variant of Uncertain Significance.

NM_006514.4(SCN10A):c.955T>G (p.Cys319Gly)

Gene: SCN10A (sodium voltage-gated channel alpha subunit 10; minus strand). Cytogenetic location: 3p22.2.
Variant type: single nucleotide variant.
Coding change: c.955T>G on transcript NM_006514.4 (MANE Select); coding-DNA position 955, T replaced by G.
Protein change: p.Cys319Gly; replaces cysteine 319 with glycine.
Molecular consequence: missense variant.
Genome position (GRCh38, 1-based): chr3:38,757,155, A>C on the plus strand (T>G on the coding strand, the complement: SCN10A is on the minus strand). VCF-style: chr3-38757155-A-C. GRCh37 (hg19) VCF-style: chr3-38798646-A-C.
Other names: c.955T>G, p.Cys319Gly (NM_001293306.2, NM_001293307.2); short protein forms C319G.
Identifiers: ClinVar variation 4744586 (VCV004744586.1).